The following is an entry in ClinVar:

ClinVar aggregate classification (germline): Uncertain significance (1 of 4 stars; one submission).

Conditions:
Axenfeld-Rieger syndrome type 3 (RIEG3). Also called: AXENFELD-RIEGER ANOMALY WITH CARDIAC DEFECTS AND/OR SENSORINEURAL HEARING LOSS. Identifiers: Orphanet 782, MedGen C2678503, MONDO:0011233, OMIM 602482.

Submission:

Labcorp Genetics (formerly Invitae), Labcorp
Classification: Uncertain significance for Axenfeld-Rieger syndrome type 3. Last evaluated: 2023-03-30. Review status: criteria provided, single submitter. Criteria: Invitae Variant Classification Sherloc (09022015). Collection method: clinical testing. Allele origin: germline.
Comment: In summary, the available evidence is currently insufficient to determine the role of this variant in disease. Therefore, it has been classified as a Variant of Uncertain Significance. An algorithm developed to predict the effect of missense changes on protein structure and function (PolyPhen-2) suggests that this variant is likely to be tolerated. This variant has not been reported in the literature in individuals affected with FOXC1-related conditions. This variant is not present in population databases (gnomAD no frequency). This sequence change replaces alanine, which is neutral and non-polar, with glycine, which is neutral and non-polar, at codon 465 of the FOXC1 protein (p.Ala465Gly).

NM_001453.3(FOXC1):c.1394C>G (p.Ala465Gly)

Gene: FOXC1 (forkhead box C1; plus strand). Cytogenetic location: 6p25.3.
Variant type: single nucleotide variant.
Coding change: c.1394C>G on transcript NM_001453.3 (MANE Select); coding-DNA position 1394, C replaced by G.
Protein change: p.Ala465Gly; replaces alanine 465 with glycine.
Molecular consequence: missense variant.
Genome position (GRCh38, 1-based): chr6:1,611,839, C>G. VCF-style: chr6-1611839-C-G. GRCh37 (hg19) VCF-style: chr6-1612074-C-G.
Other names: short protein forms A465G.
Identifiers: ClinVar variation 2719215 (VCV002719215.3), dbSNP rs2480507158, ClinGen allele CA362560832.